The following is an entry in ClinVar:

ClinVar aggregate classification (germline): Pathogenic/Likely pathogenic. Review status: criteria provided, multiple submitters, no conflicts (2 of 4 stars). 2 submissions from 2 submitters: Pathogenic (1); Likely pathogenic (1). Last evaluated 2024-06-25.

Conditions:
Tyrosinemia type I (TYRSN1). Also called: Tyrosinemia type 1; Fumarylacetoacetase deficiency; Deficiency of fumarylacetoacetase; HEPATORENAL TYROSINEMIA; FAH DEFICIENCY. Identifiers: Orphanet 882, MedGen C0268490, MONDO:0010161, OMIM 276700. Disease mechanism: loss of function.

Submissions (2):

Natera, Inc.
Classification: Pathogenic for Tyrosinemia type I. Last evaluated: 2024-06-25. Review status: criteria provided, single submitter. Criteria: Natera Variant Classification Schema (03/2026). Collection method: clinical testing. Allele origin: germline.
Comment: The c.82-1G>C variant in FAH is a canonical splice acceptor site variant predicted to affect pre-mRNA splicing, which may result in an abnormal transcript and altered protein product. This variant is expected to result in nonsense mediated decay, truncation, or a dysfunctional protein product. This variant is rare in the general population with a frequency below the threshold expected for the associated phenotype(s). Another variant at this same site results in an alteration predicted to cause a similar molecular effect has been observed in individual(s) with the associated phenotype. Given the available evidence, this variant is classified as Pathogenic.

Labcorp Genetics (formerly Invitae), Labcorp
Classification: Likely pathogenic for Tyrosinemia type I. Last evaluated: 2023-02-21. Review status: criteria provided, single submitter. Criteria: Invitae Variant Classification Sherloc (09022015). Collection method: clinical testing. Allele origin: germline.
Comment: This sequence change affects an acceptor splice site in intron 1 of the FAH gene. It is expected to disrupt RNA splicing. Variants that disrupt the donor or acceptor splice site typically lead to a loss of protein function (PMID: 16199547), and loss-of-function variants in FAH are known to be pathogenic (PMID: 9101289, 9633815). This variant is present in population databases (no rsID available, gnomAD 0.0009%). Disruption of this splice site has been observed in individual(s) with tyrosinemia type 1 (PMID: 23895425). Algorithms developed to predict the effect of sequence changes on RNA splicing suggest that this variant may disrupt the consensus splice site. In summary, the currently available evidence indicates that the variant is pathogenic, but additional data are needed to prove that conclusively. Therefore, this variant has been classified as Likely Pathogenic.

Literature cited by the submitters: PubMed 16199547 (cited by Labcorp Genetics (formerly Invitae), Labcorp); PubMed 9101289 (cited by Labcorp Genetics (formerly Invitae), Labcorp); PubMed 9633815 (cited by Labcorp Genetics (formerly Invitae), Labcorp); PubMed 23895425 (cited by Labcorp Genetics (formerly Invitae), Labcorp).

NM_000137.4(FAH):c.82-1G>C

Gene: FAH (fumarylacetoacetate hydrolase; plus strand). Cytogenetic location: 15q25.1.
Variant type: single nucleotide variant.
Coding change: c.82-1G>C on transcript NM_000137.4 (MANE Select); the canonical splice acceptor site of the intron before coding-DNA position 82, G replaced by C.
Molecular consequence: splice acceptor variant.
Genome position (GRCh38, 1-based): chr15:80,158,059, G>C. VCF-style: chr15-80158059-G-C. GRCh37 (hg19) VCF-style: chr15-80450401-G-C.
Other names: c.82-1G>C (NM_000137.2, NM_001374377.1, NM_001374380.1).
Identifiers: ClinVar variation 2839356 (VCV002839356.4), dbSNP rs1247460110, ClinGen allele CA393617210.